The following continues an entry in ClinVar:

NM_000059.4(BRCA2):c.2330dup (p.Asp777fs)

Gene: BRCA2. ClinVar aggregate classification (germline): Pathogenic. Pathogenic (1).

Submissions 9 to 25 of 27:

All of Us Research Program, National Institutes of Health
Classification: Pathogenic for BRCA2-related cancer predisposition. Last evaluated: 2024-04-25. Review status: criteria provided, single submitter. Criteria: ACMG Guidelines, 2015. Collection method: clinical testing. Allele origin: germline. Inheritance: Autosomal dominant inheritance. Observed: 6 variant alleles, 6 heterozygotes. Not counted in ClinVar's aggregate classification.
Comment: This variant inserts 1 nucleotide in exon 11 of the BRCA2 gene, creating a frameshift and premature translation stop signal. This variant is expected to result in an absent or non-functional protein product. This variant has been reported in individuals affected with breast, ovarian, pancreatic, and prostate cancer (PMID: 11812938, 15382066, 20736950, 22711857, 24728189, 27406733, 29337092, 29506128). In a large breast cancer case-control study conducted by the BRIDGES consortium, this variant was reported in 1/60466 cases and 3/53461 unaffected controls (PMID: 33471991; Leiden Open Variation Database DB-ID BRCA2_002354). This variant has also been reported in two sibling affected with Fanconi anemia, in trans with a second BRCA2 variant (PMID: 32354836). This variant has been identified in 1/250952 chromosomes in the general population by the Genome Aggregation Database (gnomAD). Loss of BRCA2 function is a known mechanism of disease. Based on the available evidence, this variant is classified as Pathogenic.

This study involves interpretation of variants in research participants for the purpose of population health screening. Participant phenotype was not available at the time of variant classification. Additional details can be found in publication PMID: 35346344, PMCID: PMC8962531

Baylor Genetics
Classification: Pathogenic for Familial cancer of breast. Last evaluated: 2023-11-04. Review status: criteria provided, single submitter. Criteria: ACMG Guidelines, 2015. Collection method: clinical testing. Allele origin: unknown. Not counted in ClinVar's aggregate classification.

CHEO Genetics Diagnostic Laboratory, Children's Hospital of Eastern Ontario
Classification: Pathogenic for Breast and/or ovarian cancer. Last evaluated: 2023-05-19. Review status: criteria provided, single submitter. Criteria: ACMG Guidelines, 2015. Collection method: clinical testing. Allele origin: germline. Study: Canadian Open Genetics Repository. Not counted in ClinVar's aggregate classification.

Revvity Omics, Revvity
Classification: Pathogenic. Last evaluated: 2022-07-08. Review status: criteria provided, single submitter. Criteria: ACMG Guidelines, 2015. Collection method: clinical testing. Allele origin: germline. Not counted in ClinVar's aggregate classification.

Sema4
Classification: Pathogenic for Hereditary cancer-predisposing syndrome. Last evaluated: 2022-01-25. Review status: criteria provided, single submitter. Criteria: Sema4 Curation Guidelines. Collection method: curation. Allele origin: germline. Not counted in ClinVar's aggregate classification.
Comment: The BRCA2 c.2330dupA (p.D777EfsX11) variant has been reported in individuals with prostate cancer, pancreatic ductal adenocarcinoma, breast and/or ovarian cancer as well as in controls (PMID: 20736950, 31948886, 29506128, 33471991, 24728189). This variant causes a frameshift at amino acid 777 that results in premature termination 11 amino acids downstream. At this location, this variant is predicted to cause loss of normal protein function either through protein truncation or nonsense-mediated mRNA decay. Loss of function of the BRCA2 gene is an established disease mechanism in HBOC (PMID: 29446198). It was observed in 1/113388 chromosomes of the Non-Finnish European subpopulation in the large and broad cohorts of the Genome Aggregation Database (PMID: 32461654). This variant has been reported in ClinVar (Variation ID: 91775). Based on the current evidence available, this variant is interpreted as pathogenic

GeneDx
Classification: Pathogenic. Last evaluated: 2021-04-08. Review status: criteria provided, single submitter. Criteria: GeneDx Variant Classification Process June 2021. Collection method: clinical testing. Allele origin: germline. Affected: yes. Not counted in ClinVar's aggregate classification.
Comment: Frameshift variant predicted to result in protein truncation or nonsense mediated decay in a gene for which loss-of-function is a known mechanism of disease; Observed in individuals with BRCA2-related cancers (Al-Saffer 2002, Edwards 2003, Oros 2004, Claus 2005, Song 2014, George 2017, Lowery 2018); Truncating variants in this gene are considered pathogenic by a well-established clinical consortium and/or database; Not observed at a significant frequency in large population cohorts (Lek 2016); Also known as 2558insA; This variant is associated with the following publications: (PMID: 27225637, 12474142, 20736950, 12414830, 26295337, 11812938, 15382066, 16905680, 24728189, 28097235, 18182994, 29506128, 15728167, 30720243, 31948886)

Genetics and Molecular Pathology, SA Pathology
Classification: Pathogenic for Familial cancer of breast. Last evaluated: 2020-10-28. Review status: criteria provided, single submitter. Criteria: ACMG Guidelines, 2015. Collection method: clinical testing. Allele origin: germline. Affected: yes. Not counted in ClinVar's aggregate classification.
Comment: The BRCA2 c.2330dupA variant is classified as Pathogenic (PVS1, PM2, PP5)

Laboratory for Molecular Medicine, Mass General Brigham Personalized Medicine
Classification: Pathogenic for Hereditary breast ovarian cancer syndrome. Last evaluated: 2019-10-14. Review status: criteria provided, single submitter. Criteria: ACMG Guidelines, 2015. Collection method: clinical testing. Allele origin: germline. Not counted in ClinVar's aggregate classification.
Comment: The p.Asp777GlufsX11 variant in BRCA2 has been reported in >15 individuals with BRCA2-related cancers (Agoff 2002, Edwards 2003, Lowery 2018, Castro 2013, Alsop 2012, Oros 2006, BIC database). It has also been identified in 1/113388 European chromosomes by gnomAD; however, this frequency is low enough to be consistent with the frequency of hereditary breast and ovarian cancer (HBOC) in the general population. This variant is predicted to cause a frameshift, which alters the protein’s amino acid sequence beginning at position 777 and leads to a premature termination codon 11 amino acids downstream. This alteration is then predicted to lead to a truncated or absent protein. Loss of function of the BRCA2 gene is an established disease mechanism in autosomal dominant hereditary breast and ovarian cancer syndrome (HBOC). Additionally, this variant was classified as Pathogenic on Sept 8 2016 by the ClinGen-approved ENIGMA expert panel (Variation ID: 91775). In summary, this variant meets criteria to be classified as pathogenic for autosomal dominant HBOC. ACMG/AMP Criteria applied: PVS1, PM2, PS4.

Women's Health and Genetics/Laboratory Corporation of America, LabCorp
Classification: Pathogenic for Hereditary breast and ovarian cancer syndrome. Last evaluated: 2018-12-04. Review status: criteria provided, single submitter. Criteria: LabCorp Variant Classification Summary - May 2015. Collection method: clinical testing. Allele origin: germline. Not counted in ClinVar's aggregate classification.
Comment: Variant summary: BRCA2 c.2330dupA (p.Asp777GlufsX11) results in a premature termination codon, predicted to cause a truncation of the encoded protein or absence of the protein due to nonsense mediated decay, which are commonly known mechanisms for disease. Truncations downstream of this position have been classified as pathogenic by our laboratory (eg. c.2368G>T/p.Glu790X, c.2400_2401delTA/p.Asn801fsX3). The variant allele was found at a frequency of 8e-06 in 248882 control chromosomes (gnomAD and publication data). c.2330dupA has been reported in the literature in multiple individuals affected with Hereditary Breast and Ovarian Cancer and other tumor phenotypes. These data indicate that the variant is very likely to be associated with disease. To our knowledge, no experimental evidence demonstrating an impact on protein function has been reported (Edwards_2003, Oros_2004, Alsop_2012, Song_2014, George_2016). Nine clinical diagnostic laboratories have submitted clinical-significance assessments for this variant to ClinVar after 2014 without evidence for independent evaluation. All laboratories classified the variant as pathogenic. Based on the evidence outlined above, the variant was classified as pathogenic.

Department of Pathology and Molecular Medicine, Queen's University
Classification: Pathogenic for Hereditary breast ovarian cancer syndrome. Last evaluated: 2017-04-20. Review status: criteria provided, single submitter. Criteria: ACMG Guidelines, 2015. Collection method: clinical testing. Allele origin: germline. Study: The Canadian Open Genetics Repository (COGR). Not counted in ClinVar's aggregate classification.

Consortium of Investigators of Modifiers of BRCA1/2 (CIMBA), c/o University of Cambridge
Classification: Pathogenic for Breast-ovarian cancer, familial, susceptibility to, 2. Last evaluated: 2015-10-02. Review status: criteria provided, single submitter. Criteria: CIMBA Mutation Classification guidelines May 2016. Collection method: clinical testing. Allele origin: germline. Not counted in ClinVar's aggregate classification.

Molecular Genetics Laboratory, University of Michigan
Classification: Pathogenic for Breast-ovarian cancer, familial, susceptibility to, 2. Last evaluated: 2014-11-03. Review status: criteria provided, single submitter. Criteria: ACMG Guidelines, 2015. Collection method: clinical testing. Allele origin: germline. Affected: yes. Not counted in ClinVar's aggregate classification.

Counsyl
Classification: Pathogenic for Breast-ovarian cancer, familial, susceptibility to, 2. Last evaluated: 2017-04-14. Review status: no assertion criteria provided. Collection method: clinical testing. Allele origin: unknown. Not counted in ClinVar's aggregate classification.

Foulkes Cancer Genetics LDI, Lady Davis Institute for Medical Research
Classification: Pathogenic for Breast and/or ovarian cancer. Last evaluated: 2015-10-28. Review status: no assertion criteria provided. Collection method: clinical testing. Allele origin: germline. Study: The Canadian Open Genetics Repository (COGR). Not counted in ClinVar's aggregate classification.

Research Molecular Genetics Laboratory, Women's College Hospital, University of Toronto
Classification: Pathogenic for Hereditary breast ovarian cancer syndrome. Last evaluated: 2014-01-31. Review status: no assertion criteria provided. Collection method: research. Allele origin: germline. Affected: yes. Study: The Canadian Open Genetics Repository (COGR). Not counted in ClinVar's aggregate classification.

Sharing Clinical Reports Project (SCRP)
Classification: Pathogenic for Breast-ovarian cancer, familial 2. Last evaluated: 2011-12-12. Review status: no assertion criteria provided. Collection method: clinical testing. Allele origin: germline. Not counted in ClinVar's aggregate classification.

OMIM
Classification: Pathogenic for PROSTATE CANCER. Last evaluated: 2003-01-01. Review status: no assertion criteria provided. Collection method: literature only. Allele origin: germline. Not counted in ClinVar's aggregate classification.